The following is an entry in ClinVar:

NM_000891.3(KCNJ2):c.-349C>A

Genes: KCNJ2 (potassium inwardly rectifying channel subfamily J member 2; plus strand), LOC130061539 (ATAC-STARR-seq lymphoblastoid silent region 8907; plus strand). Cytogenetic location: 17q24.3.
Variant type: single nucleotide variant.
Coding change: c.-349C>A on transcript NM_000891.3 (MANE Select); 349 bases upstream of the start codon, C replaced by A.
Molecular consequence: 5 prime UTR variant.
Genome position (GRCh38, 1-based): chr17:70,169,569, C>A. VCF-style: chr17-70169569-C-A. GRCh37 (hg19) VCF-style: chr17-68165710-C-A.
Identifiers: ClinVar variation 324822 (VCV000324822.36), dbSNP rs370696463, ClinGen allele CA10640370.

ClinVar aggregate classification (germline): Conflicting classifications of pathogenicity. Review status: criteria provided, conflicting classifications (1 of 4 stars). 4 submissions from 2 submitters: Uncertain significance (1); Benign (3). Last evaluated 2022-06-01.

Conditions:
Short QT syndrome type 3. Identifiers: Orphanet 51083, MedGen C1865018, MONDO:0012314, OMIM 609622.
Andersen Tawil syndrome (LQT7). Also called: PERIODIC PARALYSIS, POTASSIUM-SENSITIVE CARDIODYSRHYTHMIC TYPE; ANDERSEN CARDIODYSRHYTHMIC PERIODIC PARALYSIS; LONG QT SYNDROME 7; Potassium-sensitive periodic paralysis, ventricular ectopy, and dysmorphic features; Andersen Syndrome. Identifiers: Orphanet 37553, MedGen C1563715, MONDO:0008222, OMIM 170390.
Atrial fibrillation, familial, 9 (ATFB9). Identifiers: MedGen C3151431, MONDO:0013513, OMIM 613980.

Allele frequency attached by ClinVar (database versions not stated): gnomAD 0.00011 and 0.00014; TOPMed 0.00014; 1000 Genomes Project 30x 0.00078; 1000 Genomes Project 0.00100.

Submissions (4):

CeGaT Center for Human Genetics Tuebingen
Classification: Benign. Last evaluated: 2022-06-01. Review status: criteria provided, single submitter. Criteria: CeGaT Center For Human Genetics Tuebingen Variant Classification Criteria Version 2. Collection method: clinical testing. Allele origin: germline. Affected: yes. Observed: 1 variant allele.
Comment: KCNJ2: BS1, BS2

Illumina Laboratory Services, Illumina
Classification: Benign for Andersen Tawil syndrome. Last evaluated: 2018-01-12. Review status: criteria provided, single submitter. Criteria: ICSL Variant Classification Criteria 13 December 2019. Collection method: clinical testing. Allele origin: germline.
Comment: This variant was observed in the ICSL laboratory as part of a predisposition screen in an ostensibly healthy population. It had not been previously curated by ICSL or reported in the Human Gene Mutation Database (HGMD: prior to June 1st, 2018), and was therefore a candidate for classification through an automated scoring system. Utilizing variant allele frequency, disease prevalence and penetrance estimates, and inheritance mode, an automated score was calculated to assess if this variant is too frequent to cause the disease. Based on the score and internal cut-off values, a variant classified as benign is not then subjected to further curation. The score for this variant resulted in a classification of benign for this disease.

Illumina Laboratory Services, Illumina
Classification: Benign for Short QT syndrome type 3. Last evaluated: 2018-01-12. Review status: criteria provided, single submitter. Criteria: ICSL Variant Classification Criteria 13 December 2019. Collection method: clinical testing. Allele origin: germline.
Comment: the same text as in the submission from Illumina Laboratory Services, Illumina above.

Illumina Laboratory Services, Illumina
Classification: Uncertain significance for Atrial fibrillation, familial, 9. Last evaluated: 2018-01-12. Review status: criteria provided, single submitter. Criteria: ICSL Variant Classification Criteria 13 December 2019. Collection method: clinical testing. Allele origin: germline.